The following is an entry in ClinVar:

NM_004830.4(MED23):c.2529C>A (p.Leu843=)

Gene: MED23 (mediator complex subunit 23; minus strand). Cytogenetic location: 6q23.2.
Variant type: single nucleotide variant.
Coding change: c.2529C>A on transcript NM_004830.4 (MANE Select); coding-DNA position 2529, C replaced by A.
Protein change: p.Leu843=; no amino-acid change (leucine 843 retained).
Molecular consequence: synonymous variant.
Genome position (GRCh38, 1-based): chr6:131,598,365, G>T on the plus strand (C>A on the coding strand, the complement: MED23 is on the minus strand). VCF-style: chr6-131598365-G-T. GRCh37 (hg19) VCF-style: chr6-131919505-G-T.
Other names: c.2529C>A, p.Leu843= (NM_001270521.2, NM_001270522.2); c.2547C>A, p.Leu849= (NM_015979.4).
Identifiers: ClinVar variation 587995 (VCV000587995.33), dbSNP rs561658259, ClinGen allele CA3999809.

ClinVar aggregate classification (germline): Likely benign. Review status: criteria provided, multiple submitters, no conflicts (2 of 4 stars). 4 submissions from 4 submitters: Likely benign (4). Last evaluated 2025-01-01.

Conditions:
Inborn genetic diseases. Identifiers: MedGen C0950123, MeSH D030342.

Allele frequency attached by ClinVar (database versions not stated): ExAC 0.00032; gnomAD exomes 0.00047 and 0.00009; 1000 Genomes Project 30x 0.00078; 1000 Genomes Project 0.00100; gnomAD 0.00013 and 0.00017; TOPMed 0.00018.
gnomAD v4.1: 167 of 1,614,044 alleles (0.01%); highest among the groups gnomAD compares: East Asian, 0.34%; 2 homozygotes.

Submissions (4):

CeGaT Center for Human Genetics Tuebingen
Classification: Likely benign. Last evaluated: 2025-01-01. Review status: criteria provided, single submitter. Criteria: CeGaT Center For Human Genetics Tuebingen Variant Classification Criteria Version 2. Collection method: clinical testing. Allele origin: germline. Affected: yes. Observed: 2 variant alleles.
Comment: MED23: BP4, BP7

Blueprint Genetics
Classification: Likely benign. Last evaluated: 2023-10-20. Review status: criteria provided, single submitter. Criteria: ACMG Guidelines, 2015. Collection method: clinical testing. Allele origin: germline.

Genetic Services Laboratory, University of Chicago
Classification: Likely benign. Last evaluated: 2019-01-17. Review status: criteria provided, single submitter. Criteria: ACMG Guidelines, 2015. Collection method: clinical testing. Allele origin: germline. Affected: no.

Ambry Genetics
Classification: Likely benign for Inborn genetic diseases. Last evaluated: 2016-07-01. Review status: criteria provided, single submitter. Criteria: Ambry Variant Classification Scheme 2023. Collection method: clinical testing. Allele origin: germline.